The following continues an entry in ClinVar:

NM_000142.5(FGFR3):c.749C>G (p.Pro250Arg)

Gene: FGFR3. ClinVar aggregate classification (germline): Pathogenic/Likely pathogenic. Pathogenic (46); Likely pathogenic (1).

Submissions 35 to 56 of 56:

GeneDx
Classification: Pathogenic. Last evaluated: 2020-11-27. Review status: criteria provided, single submitter. Criteria: GeneDx Variant Classification Process June 2021. Collection method: clinical testing. Allele origin: germline. Affected: yes.
Comment: Reported in multiple individuals with features overlapping other craniosynostosis syndromes, including Pfeiffer syndrome, Crouzon syndrome, and Saethre-Chotzen syndrome (Bellus et al., 1996; Muenke et al., 1997; Mulliken et al., 1999; Kruszka et al., 2016); however, some of the clinical features of individuals with the above syndromes may be rare in patients with this variant (Muenke et al., 1997); Reported in some individuals with radiographic abnormalities of hands and feet but without craniosynostosis, having normal head size or macrocephaly (Muenke et al., 1997; Kruszka et al., 2016a); Published functional studies demonstrate a damaging effect including disruption of endochondral and perichondrial ossification of the cranial base in mice (Laurita et al., 2011; Yasuda et al., 2012); Not observed at a significant frequency in large population cohorts (Lek et al., 2016); In silico analysis supports that this missense variant has a deleterious effect on protein structure/function; This variant is associated with the following publications: (PMID: 11746040, 22622662, 24127277, 28551036, 31837199, 14613973, 26740388, 11424131, 12884424, 23325524, 19449410, 21204234, 22016144, 24705944, 15915095, 21233754, 21403567, 22446440, 23851839, 20592905, 24168007, 11197897, 24728327, 12087222, 20707699, 11428324, 8841188, 10541159, 27683237, 27568649, 26028288, 9279764, 9600744, 17103449, 17036334, 31111620, 31130284, 9042914, 20301588, 32238909, 31564432, 31019026, 32369273, 32382396, 9107244, 18000976, 32510873, 33502061)

Cavalleri Lab, Royal College of Surgeons in Ireland
Classification: Likely pathogenic for Muenke syndrome. Last evaluated: 2019-12-11. Review status: criteria provided, single submitter. Criteria: ACMG Guidelines, 2015. Collection method: research. Allele origin: paternal. Inheritance: Autosomal dominant inheritance. Affected: yes.
Comment: ACMG evidence PS3, PP2, PP3

Mendelics
Classification: Pathogenic for Hypochondroplasia. Last evaluated: 2019-05-28. Review status: criteria provided, single submitter. Criteria: Mendelics Assertion Criteria 2017. Collection method: clinical testing. Allele origin: unknown.

Baylor Genetics
Classification: Pathogenic for Achondroplasia. Last evaluated: 2018-07-31. Review status: criteria provided, single submitter. Criteria: ACMG Guidelines, 2015. Collection method: clinical testing. Allele origin: maternal. Affected: yes.
Comment: This variant was determined to be pathogenic according to ACMG Guidelines, 2015 [PMID:25741868]. The p.R250R pathogenic variant is the most common pathogenic variant found in MNKS patients with variable expressivity [PMID 9107244, 9279764]

Eurofins Ntd Llc (ga)
Classification: Pathogenic. Last evaluated: 2018-06-20. Review status: criteria provided, single submitter. Criteria: EGL ClinVar v180209 classification definitions. Collection method: clinical testing. Allele origin: germline. Observed: 1 variant allele, 1 heterozygote.

Centre for Mendelian Genomics, University Medical Centre Ljubljana
Classification: Pathogenic for Generalized non-motor (absence) seizure; Coronal craniosynostosis; Crouzon syndrome; Facial asymmetry; Infantile axial hypotonia; Seizure; Unilateral renal agenesis. Last evaluated: 2017-01-01. Review status: criteria provided, single submitter. Criteria: ACMG Guidelines, 2015. Collection method: clinical testing. Allele origin: unknown. Affected: yes.

Genomic Diagnostic Laboratory, Division of Genomic Diagnostics, Children's Hospital of Philadelphia
Classification: Pathogenic for Muenke syndrome. Last evaluated: 2016-10-20. Review status: criteria provided, single submitter. Criteria: DGD Variant Analysis Guidelines. Collection method: clinical testing. Allele origin: germline. Affected: yes. Observed: 42 variant alleles.
Comment: Clinical Testing

Genetic Services Laboratory, University of Chicago
Classification: Pathogenic for Craniosynostosis. Last evaluated: 2015-04-30. Review status: criteria provided, single submitter. Criteria: ACMG Guidelines, 2015. Collection method: clinical testing. Allele origin: germline. Affected: yes.

Centre de Biologie Pathologie Génétique, Centre Hospitalier Universitaire de Lille
Classification: Pathogenic for FGFR3-related chondrodysplasia. Review status: criteria provided, single submitter. Criteria: ACMG Guidelines, 2015. Collection method: clinical testing. Allele origin: inherited. Affected: yes.

Clinical Genetics Service, Universitary Hospital 12 de Octubre
Classification: Pathogenic for Crouzon syndrome-acanthosis nigricans syndrome; Muenke syndrome. Review status: criteria provided, single submitter. Criteria: ACMG Guidelines, 2015. Collection method: clinical testing. Allele origin: germline. Affected: yes.

Department of Medical Genetics, Oslo University Hospital
Classification: Pathogenic for Muenke syndrome. Review status: criteria provided, single submitter. Criteria: ACMG Guidelines, 2015. Collection method: clinical testing. Allele origin: germline. Affected: yes. Observed: 14 variant alleles, 14 heterozygotes. Clinical features observed: Craniosynostosis (HP:0001363).

Institute for Genomic Statistics and Bioinformatics, University Hospital Bonn
Classification: Pathogenic for Muenke syndrome. Review status: criteria provided, single submitter. Criteria: ACMG Guidelines, 2015. Collection method: clinical testing. Allele origin: unknown. Affected: yes. Observed: 1 variant allele.

Suma Genomics
Classification: Pathogenic for Muenke syndrome. Review status: criteria provided, single submitter. Criteria: ACMG Guidelines, 2015. Collection method: clinical testing. Allele origin: inherited. Inheritance: Autosomal dominant inheritance. Affected: yes.

Clinical Genetics Laboratory, University Hospital Schleswig-Holstein
Classification: Pathogenic for Muenke syndrome. Last evaluated: 2024-04-17. Review status: no assertion criteria provided. Collection method: clinical testing. Allele origin: germline. Affected: yes. Not counted in ClinVar's aggregate classification.

Clinical Laboratory Sciences Program (CLSP), King Saud bin Abdulaziz University for Health Sciences (KSAU-HS)
Classification: Pathogenic for Muenke syndrome. Last evaluated: 2023-04-01. Review status: no assertion criteria provided. Collection method: clinical testing. Allele origin: germline. Affected: yes. Not counted in ClinVar's aggregate classification.

Biochemical Molecular Genetic Laboratory, King Abdulaziz Medical City
Classification: Pathogenic for Muenke syndrome. Last evaluated: 2020-05-06. Review status: no assertion criteria provided. Collection method: clinical testing. Allele origin: germline. Affected: yes. Not counted in ClinVar's aggregate classification.

ITMI
No classification provided. Condition: AllHighlyPenetrant. Last evaluated: 2013-09-19. Review status: no classification provided. Collection method: reference population. Allele origin: germline. Not counted in ClinVar's aggregate classification.
Comment: Please see associated publication for description of ethnicities

OMIM
Classification: Pathogenic for MUENKE SYNDROME. Last evaluated: 2009-02-01. Review status: no assertion criteria provided. Collection method: literature only. Allele origin: germline. Not counted in ClinVar's aggregate classification.

OMIM
Classification: Pathogenic for SAETHRE-CHOTZEN SYNDROME. Last evaluated: 2009-02-01. Review status: no assertion criteria provided. Collection method: literature only. Allele origin: germline. Not counted in ClinVar's aggregate classification.

Clinical Genetics DNA and cytogenetics Diagnostics Lab, Erasmus MC, Erasmus Medical Center
Classification: Pathogenic. Review status: no assertion criteria provided. Collection method: clinical testing. Allele origin: germline. Affected: yes. Study: VKGL Data-share Consensus. Not counted in ClinVar's aggregate classification.

Genome Diagnostics Laboratory, Amsterdam University Medical Center
Classification: Pathogenic. Review status: no assertion criteria provided. Collection method: clinical testing. Allele origin: germline. Affected: yes. Study: VKGL Data-share Consensus. Not counted in ClinVar's aggregate classification.

Joint Genome Diagnostic Labs from Nijmegen and Maastricht, Radboudumc and MUMC+
Classification: Pathogenic. Review status: no assertion criteria provided. Collection method: clinical testing. Allele origin: germline. Affected: yes. Study: VKGL Data-share Consensus. Not counted in ClinVar's aggregate classification.

Literature cited by the submitters: PubMed 41216445 (cited by Kasturba Medical College, Manipal, Kasturba Medical College, Manipal, Manipal Academy of Higher Education, Manipal, India); PubMed 19086028 (cited by Genomenon, Inc); PubMed 22016144 (cited by 7 submitters); PubMed 14613973 (cited by 10 submitters); PubMed 18818193 (cited by Genomenon, Inc); PubMed 28551036 (cited by Genomenon, Inc); PubMed 26740388 (cited by 9 submitters); PubMed 9042914 (cited by 10 submitters); PubMed 19449410 (cited by Genomenon, Inc); PubMed 24168007 (cited by Genomenon, Inc); PubMed 24705944 (cited by Genomenon, Inc); PubMed 20592905 (cited by Genomenon, Inc and Dasa); PubMed 11428324 (cited by Genomenon, Inc); PubMed 31016899 (cited by Genomenon, Inc); PubMed 24517215 (cited by Genomenon, Inc); PubMed 28230213 (cited by Genomenon, Inc); PubMed 11426459 (cited by Genomenon, Inc); PubMed 12424440 (cited by Genomenon, Inc); PubMed 18076102 (cited by Genomenon, Inc); PubMed 10053006 (cited by Genomenon, Inc); PubMed 23437153 (cited by Genomenon, Inc); PubMed 8841188 (cited by 6 submitters); PubMed 9279753 (cited by 3 submitters); PubMed 9843059 (cited by Ambry Genetics and OMIM); PubMed 17552943 (cited by Ambry Genetics and Johns Hopkins Genomics, Johns Hopkins University); PubMed 22622662 (cited by 4 submitters); PubMed 9525367 (cited by Dasa and OMIM); PubMed 10942429 (cited by Dasa); PubMed 10094188 (cited by Labcorp Genetics (formerly Invitae), Labcorp and OMIM); PubMed 10861678 (cited by Labcorp Genetics (formerly Invitae), Labcorp); PubMed 15915095 (cited by Labcorp Genetics (formerly Invitae), Labcorp); PubMed 12362036 (cited by 3billion and Rady Children's Institute for Genomic Medicine, Rady Children's Hospital San Diego); PubMed 25614871 (cited by Victorian Clinical Genetics Services, Murdoch Childrens Research Institute); PubMed 16501574 (cited by Victorian Clinical Genetics Services, Murdoch Childrens Research Institute); PubMed 18000976 (cited by Victorian Clinical Genetics Services, Murdoch Childrens Research Institute); PubMed 24864036 (cited by Victorian Clinical Genetics Services, Murdoch Childrens Research Institute); PubMed 20301588 (cited by 3 submitters); PubMed 10541159 (cited by Rady Children's Institute for Genomic Medicine, Rady Children's Hospital San Diego); PubMed 25271085 (cited by Women's Health and Genetics/Laboratory Corporation of America, LabCorp and OMIM); PubMed 15241680 (cited by Johns Hopkins Genomics, Johns Hopkins University and OMIM); PubMed 20301628 (cited by Genetics and Molecular Pathology, SA Pathology); PubMed 32238909 (cited by Cavalleri Lab, Royal College of Surgeons in Ireland); PubMed 9107244 (cited by Baylor Genetics and OMIM); PubMed 9279764 (cited by Baylor Genetics and OMIM); PubMed 24728327 (cited by ITMI); PubMed 9585583 (cited by OMIM); PubMed 8723106 (cited by OMIM); PubMed 9580776 (cited by OMIM); PubMed 9600744 (cited by OMIM); PubMed 9950359 (cited by OMIM); PubMed 11424131 (cited by OMIM); PubMed 11746040 (cited by OMIM); PubMed 19215249 (cited by OMIM); PubMed 9300656 (cited by OMIM).